The following is an entry in ClinVar:

NM_000454.5(SOD1):c.19T>A (p.Cys7Ser)

Genes: SOD1 (superoxide dismutase 1; plus strand), SOD1-DT (SOD1 divergent transcript; minus strand). Cytogenetic location: 21q22.11.
Variant type: single nucleotide variant.
Coding change: c.19T>A on transcript NM_000454.5 (MANE Select); coding-DNA position 19, T replaced by A.
Protein change: p.Cys7Ser; replaces cysteine 7 with serine.
Molecular consequence: missense variant.
Genome position (GRCh38, 1-based): chr21:31,659,788, T>A. VCF-style: chr21-31659788-T-A. GRCh37 (hg19) VCF-style: chr21-33032101-T-A.
Other names: short protein forms C7S.
Identifiers: ClinVar variation 1500887 (VCV001500887.6), dbSNP rs1312702973, ClinGen allele CA410035894.

ClinVar aggregate classification (germline): Pathogenic (1 of 4 stars; one submission).

Conditions:
Amyotrophic lateral sclerosis type 1 (ALS1). Also called: AMYOTROPHIC LATERAL SCLEROSIS 1, FAMILIAL. Identifiers: Orphanet 803, MedGen C1862939, MONDO:0007103, OMIM 105400.

Submission:

Labcorp Genetics (formerly Invitae), Labcorp
Classification: Pathogenic for Amyotrophic lateral sclerosis type 1. Last evaluated: 2024-11-04. Review status: criteria provided, single submitter. Criteria: Invitae Variant Classification Sherloc (09022015). Collection method: clinical testing. Allele origin: germline.
Comment: This sequence change replaces cysteine, which is neutral and slightly polar, with serine, which is neutral and polar, at codon 7 of the SOD1 protein (p.Cys7Ser). This variant is not present in population databases (gnomAD no frequency). This missense change has been observed in individuals with amyotrophic lateral sclerosis (PMID: 21073275, 32948071). This variant is also known as p.Cys6Ser. ClinVar contains an entry for this variant (Variation ID: 1500887). Invitae Evidence Modeling of protein sequence and biophysical properties (such as structural, functional, and spatial information, amino acid conservation, physicochemical variation, residue mobility, and thermodynamic stability) indicates that this missense variant is expected to disrupt SOD1 protein function with a positive predictive value of 95%. Experimental studies have shown that this missense change affects SOD1 function (PMID: 18703498). This variant disrupts the p.Cys7 amino acid residue in SOD1. Other variant(s) that disrupt this residue have been observed in individuals with SOD1-related conditions (PMID: 8907321, 10624810, 21329474, 21603025, 24094577), which suggests that this may be a clinically significant amino acid residue. For these reasons, this variant has been classified as Pathogenic.

Literature cited by the submitters: PubMed 21073275; PubMed 32948071; PubMed 18703498; PubMed 8907321; PubMed 10624810; PubMed 21329474; PubMed 21603025; PubMed 24094577.